The following is an entry in ClinVar:

NM_016616.5(NME8):c.311C>T (p.Pro104Leu)

Gene: NME8 (NME/NM23 family member 8; plus strand). Cytogenetic location: 7p14.1.
Variant type: single nucleotide variant.
Coding change: c.311C>T on transcript NM_016616.5 (MANE Select); coding-DNA position 311, C replaced by T.
Protein change: p.Pro104Leu; replaces proline 104 with leucine.
Molecular consequence: missense variant.
Genome position (GRCh38, 1-based): chr7:37,862,068, C>T. VCF-style: chr7-37862068-C-T. GRCh37 (hg19) VCF-style: chr7-37901670-C-T.
Other names: short protein forms P104L.
Identifiers: ClinVar variation 565917 (VCV000565917.22), dbSNP rs567620217, ClinGen allele CA4222145.

ClinVar aggregate classification (germline): Conflicting classifications of pathogenicity. Review status: criteria provided, conflicting classifications (1 of 4 stars). 2 submissions from 2 submitters: Uncertain significance (1); Likely benign (1). Last evaluated 2025-11-16.

Conditions:
Primary ciliary dyskinesia 6. Also called: Primary Ciliary Dyskinesia 6: TXNDC3-Related Primary Ciliary Dyskinesia. Identifiers: Orphanet 244, MedGen C1970506, MONDO:0012571, OMIM 610852.
Primary ciliary dyskinesia. Also called: Ciliary dyskinesia. Identifiers: Orphanet 244, MedGen C0008780, MONDO:0016575, HP:0012265.

Allele frequency attached by ClinVar (database versions not stated): gnomAD 0.00003 and 0.00007; TOPMed 0.00004; gnomAD exomes 0.00007 and 0.00013; ExAC 0.00013; 1000 Genomes Project 0.00040; 1000 Genomes Project 30x 0.00062.
gnomAD v4.1: 114 of 1,613,502 alleles (0.0071%); highest among the groups gnomAD compares: South Asian, 0.082%; 2 homozygotes.

Submissions (2):

Labcorp Genetics (formerly Invitae), Labcorp
Classification: Uncertain significance for Primary ciliary dyskinesia 6. Last evaluated: 2025-11-16. Review status: criteria provided, single submitter. Criteria: Invitae Variant Classification Sherloc (09022015). Collection method: clinical testing. Allele origin: germline.
Comment: This sequence change replaces proline, which is neutral and non-polar, with leucine, which is neutral and non-polar, at codon 104 of the NME8 protein (p.Pro104Leu). This variant is present in population databases (rs567620217, gnomAD 0.08%), and has an allele count higher than expected for a pathogenic variant. This variant has not been reported in the literature in individuals affected with NME8-related conditions. ClinVar contains an entry for this variant (Variation ID: 565917). Invitae Evidence Modeling of protein sequence and biophysical properties (such as structural, functional, and spatial information, amino acid conservation, physicochemical variation, residue mobility, and thermodynamic stability) indicates that this missense variant is expected to disrupt NME8 protein function with a positive predictive value of 80%. In summary, the available evidence is currently insufficient to determine the role of this variant in disease. Therefore, it has been classified as a Variant of Uncertain Significance.

Ambry Genetics
Classification: Likely benign for Primary ciliary dyskinesia. Last evaluated: 2022-07-05. Review status: criteria provided, single submitter. Criteria: Ambry Variant Classification Scheme 2023. Collection method: clinical testing. Allele origin: germline.